The following is an entry in ClinVar:

NM_025137.4(SPG11):c.2833A>G (p.Arg945Gly)

Gene: SPG11 (SPG11 vesicle trafficking associated, spatacsin; minus strand). Cytogenetic location: 15q21.1.
Variant type: single nucleotide variant.
Coding change: c.2833A>G on transcript NM_025137.4 (MANE Select); coding-DNA position 2833, A replaced by G.
Protein change: p.Arg945Gly; replaces arginine 945 with glycine.
Molecular consequence: missense variant.
Genome position (GRCh38, 1-based): chr15:44,620,191, T>C on the plus strand (A>G on the coding strand, the complement: SPG11 is on the minus strand). VCF-style: chr15-44620191-T-C. GRCh37 (hg19) VCF-style: chr15-44912389-T-C.
Other names: c.2833A>G, p.Arg945Gly (NM_001160227.2); short protein forms R945G.
Identifiers: ClinVar variation 41298 (VCV000041298.13), dbSNP rs312262748, ClinGen allele CA344327.
Genomic context (GRCh38, chr15:44,620,191, plus strand): 5'-TTTTTCTTGCTCTTCCCTTGTATTCTTCCCATTGGGTATTAGTTCAACAGTTATAATACC[T>C]GGCCAGCTTATCTAAAATTTCATTCCTCATGTAGTTGTTACAGGAAGTATTCTGGTTAAT-3'
Protein context (NP_079413.3, residues 935-955): MRNEILDKLA[Arg945Gly]NGVFLASELE

ClinVar aggregate classification (germline): Pathogenic/Likely pathogenic. Review status: criteria provided, multiple submitters, no conflicts (2 of 4 stars). 3 submissions from 3 submitters: Pathogenic (1); Likely pathogenic (1). 1 of the submissions does not count toward it. Last evaluated 2024-02-28.

Conditions:
Amyotrophic lateral sclerosis type 5 (ALS5). Also called: AMYOTROPHIC LATERAL SCLEROSIS 5, JUVENILE. Identifiers: Orphanet 300605, MedGen C1865864, MONDO:0011196, OMIM 602099.
Charcot-Marie-Tooth disease axonal type 2X. Also called: CHARCOT-MARIE-TOOTH DISEASE, AXONAL, AUTOSOMAL RECESSIVE, TYPE 2X; CHARCOT-MARIE-TOOTH NEUROPATHY, TYPE 2X. Identifiers: Orphanet 466775, MedGen C5569024, MONDO:0014726, OMIM 616668.
Hereditary spastic paraplegia 11. Also called: SPASTIC PARAPLEGIA, AUTOSOMAL RECESSIVE, COMPLICATED, WITH THIN CORPUS CALLOSUM; SPASTIC PARAPLEGIA, AUTOSOMAL RECESSIVE, WITH MENTAL IMPAIRMENT AND THIN CORPUS CALLOSUM; Spastic paraplegia, mental retardation and thin corpus callosum; Spastic Paraplegia 11; Nakamura Osame syndrome; Autosomal recessive hereditary spastic paraplegia, mental impairment, and thin corpus callosum. Identifiers: Orphanet 2822, MedGen C1858479, MONDO:0011445, OMIM 604360.

Allele frequency attached by ClinVar (database versions not stated): gnomAD exomes below 0.00001.

Submissions (3):

Fulgent Genetics
Classification: Likely pathogenic for Amyotrophic lateral sclerosis type 5; Hereditary spastic paraplegia 11; Charcot-Marie-Tooth disease axonal type 2X. Last evaluated: 2024-02-28. Review status: criteria provided, single submitter. Criteria: ACMG Guidelines, 2015. Collection method: clinical testing. Allele origin: germline.

Labcorp Genetics (formerly Invitae), Labcorp
Classification: Pathogenic for Hereditary spastic paraplegia 11. Last evaluated: 2023-11-21. Review status: criteria provided, single submitter. Criteria: Invitae Variant Classification Sherloc (09022015). Collection method: clinical testing. Allele origin: germline.
Comment: This sequence change replaces arginine, which is basic and polar, with glycine, which is neutral and non-polar, at codon 945 of the SPG11 protein (p.Arg945Gly). This variant is not present in population databases (gnomAD no frequency). This missense change has been observed in individuals with autosomal recessive hereditary spastic paraplegia (HSP) and Charcot-Marie-Tooth disease (CMT) (PMID: 18079167, 19105190, 19196735, 26556829, 27077743). It has also been observed to segregate with disease in related individuals. ClinVar contains an entry for this variant (Variation ID: 41298). An algorithm developed to predict the effect of missense changes on protein structure and function (PolyPhen-2) suggests that this variant is likely to be disruptive. Algorithms developed to predict the effect of sequence changes on RNA splicing suggest that this variant may disrupt the consensus splice site. For these reasons, this variant has been classified as Pathogenic.

GeneReviews
No classification provided. Condition: Hereditary spastic paraplegia 11. Review status: no classification provided. Collection method: literature only. Allele origin: unknown. Not counted in ClinVar's aggregate classification.

Literature cited by the submitters: PubMed 18079167 (cited by Labcorp Genetics (formerly Invitae), Labcorp and GeneReviews); PubMed 19105190 (cited by Labcorp Genetics (formerly Invitae), Labcorp and GeneReviews); PubMed 19196735 (cited by Labcorp Genetics (formerly Invitae), Labcorp and GeneReviews); PubMed 26556829 (cited by Labcorp Genetics (formerly Invitae), Labcorp); PubMed 27077743 (cited by Labcorp Genetics (formerly Invitae), Labcorp); PubMed 20301389 (cited by GeneReviews); NCBI Bookshelf NBK1210 (cited by GeneReviews).